The following is an entry in ClinVar:

NM_005896.4(IDH1):c.814T>C (p.Tyr272His)

Gene: IDH1 (isocitrate dehydrogenase (NADP(+)) 1; minus strand). Cytogenetic location: 2q34.
Variant type: single nucleotide variant.
Coding change: c.814T>C on transcript NM_005896.4 (MANE Select); coding-DNA position 814, T replaced by C.
Protein change: p.Tyr272His; replaces tyrosine 272 with histidine.
Molecular consequence: missense variant.
Genome position (GRCh38, 1-based): chr2:208,242,030, A>G on the plus strand (T>C on the coding strand, the complement: IDH1 is on the minus strand). VCF-style: chr2-208242030-A-G. GRCh37 (hg19) VCF-style: chr2-209106754-A-G.
Other names: c.814T>C, p.Tyr272His (NM_001282386.1, NM_001282387.1); short protein forms Y272H.
Identifiers: ClinVar variation 3527512 (VCV003527512.1).

ClinVar aggregate classification (germline): Uncertain significance (1 of 4 stars; one submission).

Submission:

Ambry Genetics
Classification: Uncertain significance. Last evaluated: 2024-09-01. Review status: criteria provided, single submitter. Criteria: Ambry Variant Classification Scheme 2023. Collection method: clinical testing. Allele origin: germline.
Comment: The p.Y272H variant (also known as c.814T>C), located in coding exon 5 of the IDH1 gene, results from a T to C substitution at nucleotide position 814. The tyrosine at codon 272 is replaced by histidine, an amino acid with similar properties. This amino acid position is conserved. In addition, this alteration is predicted to be deleterious by in silico analysis. Based on the available evidence, the clinical significance of this variant remains unclear.